The following is an entry in ClinVar:

NM_001793.6(CDH3):c.2076T>G (p.Asp692Glu)

Gene: CDH3 (cadherin 3; plus strand). Cytogenetic location: 16q22.1.
Variant type: single nucleotide variant.
Coding change: c.2076T>G on transcript NM_001793.6 (MANE Select); coding-DNA position 2076, T replaced by G.
Protein change: p.Asp692Glu; replaces aspartic acid 692 with glutamic acid.
Molecular consequence: missense variant.
Genome position (GRCh38, 1-based): chr16:68,695,328, T>G. VCF-style: chr16-68695328-T-G. GRCh37 (hg19) VCF-style: chr16-68729231-T-G.
Other names: c.2076T>G, p.Asp692Glu (NM_001317195.3); c.1911T>G, p.Asp637Glu (NM_001317196.2); short protein forms D637E, D692E.
Identifiers: ClinVar variation 843878 (VCV000843878.8), dbSNP rs370793157, ClinGen allele CA8129562.
Genomic context (GRCh38, chr16:68,695,328, plus strand): 5'-GCTGCTTTTGTTGGTGAGAAAGAAGCGGAAGATCAAGGAGCCCCTCCTACTCCCAGAAGA[T>G]GACACCCGTGACAACGTCTTCTACTATGGCGAAGAGGGGGGTGGCGAAGAGGACCAGGTG-3'
Protein context (NP_001784.2, residues 682-702): KIKEPLLLPE[Asp692Glu]DTRDNVFYYG

ClinVar aggregate classification (germline): Uncertain significance (1 of 4 stars; one submission).

Allele frequency attached by ClinVar (database versions not stated): ExAC 0.00001; gnomAD 0.00001 and 0.00003; gnomAD exomes 0.00001 and 0.00002; TOPMed 0.00003; ESP Exome Variant Server 0.00008.
gnomAD v4.1: 17 of 1,613,942 alleles (0.0011%); highest among the groups gnomAD compares: Non-Finnish European, 0.0014%; no homozygotes.

Submission:

Labcorp Genetics (formerly Invitae), Labcorp
Classification: Uncertain significance. Last evaluated: 2019-11-20. Review status: criteria provided, single submitter. Criteria: Invitae Variant Classification Sherloc (09022015). Collection method: clinical testing. Allele origin: germline.
Comment: This variant is present in population databases (rs370793157, ExAC 0.002%). This sequence change replaces asparagine with glutamate at codon 692 of the CDH3 protein (p.Asp692Glu). The asparagine residue is highly conserved and there is a small physicochemical difference between asparagine and glutamate. This variant has not been reported in the literature in individuals with CDH3-related conditions. In summary, the available evidence is currently insufficient to determine the role of this variant in disease. Therefore, it has been classified as a Variant of Uncertain Significance. Algorithms developed to predict the effect of missense changes on protein structure and function are either unavailable or do not agree on the potential impact of this missense change (SIFT: "Tolerated"; PolyPhen-2: "Probably Damaging"; Align-GVGD: "Class C0").